The following is an entry in ClinVar:

NM_000210.4(ITGA6):c.2825G>A (p.Arg942Gln)

Genes: ITGA6 (integrin subunit alpha 6; plus strand), PDK1-AS1 (PDK1 and ITGA6 antisense RNA 1; minus strand). Cytogenetic location: 2q31.1.
Variant type: single nucleotide variant.
Coding change: c.2825G>A on transcript NM_000210.4 (MANE Select); coding-DNA position 2825, G replaced by A.
Protein change: p.Arg942Gln; replaces arginine 942 with glutamine.
Molecular consequence: missense variant.
Genome position (GRCh38, 1-based): chr2:172,491,267, G>A. VCF-style: chr2-172491267-G-A. GRCh37 (hg19) VCF-style: chr2-173355995-G-A.
Other names: c.2825G>A (NM_000210.2); c.2825G>A, p.Arg942Gln (NM_001079818.3); c.2468G>A, p.Arg823Gln (NM_001316306.2); c.2780G>A, p.Arg927Gln (NM_001365529.2, NM_001365530.2); c.2942G>A, p.Arg981Gln (NM_001394928.1); short protein forms R942Q, R981Q, R823Q, R927Q.
Identifiers: ClinVar variation 2168814 (VCV002168814.3), dbSNP rs377077160, ClinGen allele CA1968507.

ClinVar aggregate classification (germline): Uncertain significance. Review status: criteria provided, multiple submitters, no conflicts (2 of 4 stars). 2 submissions from 2 submitters: Uncertain significance (2). Last evaluated 2024-08-11.

Conditions:
Inborn genetic diseases. Identifiers: MedGen C0950123, MeSH D030342.

Allele frequency attached by ClinVar (database versions not stated): gnomAD 0.00001; gnomAD exomes 0.00002; TOPMed 0.00005; ESP Exome Variant Server 0.00008; ExAC 0.00001.
gnomAD v4.1: 38 of 1,612,834 alleles (0.0024%); highest among the groups gnomAD compares: Admixed American, 0.0083%; no homozygotes.

Submissions (2):

Ambry Genetics
Classification: Uncertain significance for Inborn genetic diseases. Last evaluated: 2024-08-11. Review status: criteria provided, single submitter. Criteria: Ambry Variant Classification Scheme 2023. Collection method: clinical testing. Allele origin: germline.

Labcorp Genetics (formerly Invitae), Labcorp
Classification: Uncertain significance. Last evaluated: 2022-08-16. Review status: criteria provided, single submitter. Criteria: Invitae Variant Classification Sherloc (09022015). Collection method: clinical testing. Allele origin: germline.
Comment: This sequence change replaces arginine, which is basic and polar, with glutamine, which is neutral and polar, at codon 942 of the ITGA6 protein (p.Arg942Gln). This variant is present in population databases (rs377077160, gnomAD 0.01%). This variant has not been reported in the literature in individuals affected with ITGA6-related conditions. Algorithms developed to predict the effect of missense changes on protein structure and function output the following: SIFT: "Tolerated"; PolyPhen-2: "Benign"; Align-GVGD: "Class C0". The glutamine amino acid residue is found in multiple mammalian species, which suggests that this missense change does not adversely affect protein function. In summary, the available evidence is currently insufficient to determine the role of this variant in disease. Therefore, it has been classified as a Variant of Uncertain Significance.